The following is an entry in ClinVar:

ClinVar aggregate classification (germline): Uncertain significance (1 of 4 stars; one submission).

Conditions:
SH2B1-related disorder. Also called: SH2B1-related condition.

gnomAD v4.1: 1 of 1,607,872 alleles (0.000062%); highest among the groups gnomAD compares: Non-Finnish European, 0.000085%; no homozygotes.

Submission:

PreventionGenetics, part of Exact Sciences
Classification: Uncertain significance for SH2B1-related condition. Last evaluated: 2026-09-11. Review status: criteria provided, single submitter. Criteria: ACMG Guidelines, 2015. Collection method: clinical testing. Allele origin: germline.
Comment: The SH2B1 c.1976C>T variant is predicted to result in the amino acid substitution p.Pro659Leu. This variant corresponds to a deep intronic position in the primary transcript for this gene (NM_001145795:c.1898-199C>T). To our knowledge, this variant has not been reported in the literature or in a large population database, indicating this variant is rare. At this time, the clinical significance of this variant is uncertain due to the absence of conclusive functional and genetic evidence.

NM_001387430.1(SH2B1):c.1898-199C>T

Gene: SH2B1 (SH2B adaptor protein 1; plus strand). Cytogenetic location: 16p11.2.
Variant type: single nucleotide variant.
Coding change: c.1898-199C>T on transcript NM_001387430.1 (MANE Select); 199 bases into the intron before coding-DNA position 1898, C replaced by T.
Molecular consequence: intron variant. On other transcripts: missense variant (5).
Genome position (GRCh38, 1-based): chr16:28,873,248, C>T. VCF-style: chr16-28873248-C-T. GRCh37 (hg19) VCF-style: chr16-28884569-C-T.
Other names: c.1976C>T, p.Pro659Leu (NM_001145796.2, NM_001145812.2, NM_015503.3); c.2029C>T, p.Pro677Ser (NM_001145797.2); c.968C>T, p.Pro323Leu (NM_001308294.2); c.1898-199C>T (NM_001308293.2, NM_001387404.1, NM_001145795.2); short protein forms P659L, P323L, P677S.
Identifiers: ClinVar variation 4978949 (VCV004978949.1).